The following is an entry in ClinVar:

ClinVar aggregate classification (germline): Uncertain significance (1 of 4 stars; one submission).

Allele frequency attached by ClinVar (database versions not stated): TOPMed below 0.00001.

Submission:

Labcorp Genetics (formerly Invitae), Labcorp
Classification: Uncertain significance. Last evaluated: 2022-11-28. Review status: criteria provided, single submitter. Criteria: Invitae Variant Classification Sherloc (09022015). Collection method: clinical testing. Allele origin: germline.
Comment: This sequence change replaces arginine, which is basic and polar, with tryptophan, which is neutral and slightly polar, at codon 291 of the LRP5 protein (p.Arg291Trp). This variant is not present in population databases (gnomAD no frequency). This missense change has been observed in individual(s) with familial exudative vitreoretinopathy (PMID: 30452590). Advanced modeling of protein sequence and biophysical properties (such as structural, functional, and spatial information, amino acid conservation, physicochemical variation, residue mobility, and thermodynamic stability) performed at Invitae indicates that this missense variant is expected to disrupt LRP5 protein function. In summary, the available evidence is currently insufficient to determine the role of this variant in disease. Therefore, it has been classified as a Variant of Uncertain Significance.

Literature cited by the submitters: PubMed 30452590.

NM_002335.4(LRP5):c.871C>T (p.Arg291Trp)

Gene: LRP5 (LDL receptor related protein 5; plus strand). Cytogenetic location: 11q13.2.
Variant type: single nucleotide variant.
Coding change: c.871C>T on transcript NM_002335.4 (MANE Select); coding-DNA position 871, C replaced by T.
Protein change: p.Arg291Trp; replaces arginine 291 with tryptophan.
Molecular consequence: missense variant. On other transcripts: 5 prime UTR variant (1).
Genome position (GRCh38, 1-based): chr11:68,363,931, C>T. VCF-style: chr11-68363931-C-T. GRCh37 (hg19) VCF-style: chr11-68131399-C-T.
Other names: c.-895C>T (NM_001291902.2); short protein forms R291W.
Identifiers: ClinVar variation 2884038 (VCV002884038.3), dbSNP rs2098629412, ClinGen allele CA381611299.